The following is an entry in ClinVar:

ClinVar aggregate classification (germline): Uncertain significance. Review status: criteria provided, multiple submitters, no conflicts (2 of 4 stars). 3 submissions from 3 submitters: Uncertain significance (3). Last evaluated 2022-08-12.

Conditions:
HYPERHOMOCYSTEINEMIA, THROMBOTIC, CBS-RELATED. Identifiers: MedGen C3150344, OMIM 236200.
Classic homocystinuria. Also called: Homocystinuria due to Cystathionine Beta-Synthase Deficiency; HOMOCYSTINURIA WITH OR WITHOUT RESPONSE TO PYRIDOXINE; Homocystinuria due to CBS deficiency; Cystathionine beta-synthase deficiency; CBS deficiency. Identifiers: Orphanet 394, MedGen C0751202, MONDO:0009352, OMIM 236200.

Allele frequency attached by ClinVar (database versions not stated): gnomAD exomes 0.00001; ExAC 0.00002.

Submissions (3):

Labcorp Genetics (formerly Invitae), Labcorp
Classification: Uncertain significance for HYPERHOMOCYSTEINEMIA, THROMBOTIC, CBS-RELATED. Last evaluated: 2022-08-12. Review status: criteria provided, single submitter. Criteria: Invitae Variant Classification Sherloc (09022015). Collection method: clinical testing. Allele origin: germline.
Comment: This sequence change replaces alanine, which is neutral and non-polar, with proline, which is neutral and non-polar, at codon 226 of the CBS protein (p.Ala226Pro). This variant is present in population databases (rs763835246, gnomAD 0.004%). This variant has not been reported in the literature in individuals affected with CBS-related conditions. ClinVar contains an entry for this variant (Variation ID: 1310379). Algorithms developed to predict the effect of missense changes on protein structure and function (SIFT, PolyPhen-2, Align-GVGD) all suggest that this variant is likely to be tolerated. In summary, the available evidence is currently insufficient to determine the role of this variant in disease. Therefore, it has been classified as a Variant of Uncertain Significance.

Fulgent Genetics
Classification: Uncertain significance for Classic homocystinuria. Last evaluated: 2021-07-27. Review status: criteria provided, single submitter. Criteria: ACMG Guidelines, 2015. Collection method: clinical testing. Allele origin: unknown.

GeneDx
Classification: Uncertain significance. Last evaluated: 2019-11-14. Review status: criteria provided, single submitter. Criteria: GeneDx Variant Classification Process June 2021. Collection method: clinical testing. Allele origin: germline. Affected: yes.
Comment: Not observed at a significant frequency in large population cohorts (Lek et al., 2016); In silico analysis, which includes protein predictors and evolutionary conservation, supports that this variant does not alter protein structure/function; Has not been previously published as pathogenic or benign to our knowledge

NM_000071.3(CBS):c.676G>C (p.Ala226Pro)

Gene: CBS (cystathionine beta-synthase; minus strand). Cytogenetic location: 21q22.3.
Variant type: single nucleotide variant.
Coding change: c.676G>C on transcript NM_000071.3 (MANE Select); coding-DNA position 676, G replaced by C.
Protein change: p.Ala226Pro; replaces alanine 226 with proline.
Molecular consequence: missense variant.
Genome position (GRCh38, 1-based): chr21:43,065,263, C>G on the plus strand (G>C on the coding strand, the complement: CBS is on the minus strand). VCF-style: chr21-43065263-C-G. GRCh37 (hg19) VCF-style: chr21-44485373-C-G.
Other names: c.676G>C, p.Ala226Pro (NM_001178008.3, NM_001178009.3, NM_001320298.2); c.361G>C, p.Ala121Pro (NM_001321072.1); short protein forms A121P, A226P.
Identifiers: ClinVar variation 1310379 (VCV001310379.4), dbSNP rs763835246, ClinGen allele CA321095500.